The following is an entry in ClinVar:

ClinVar aggregate classification (germline): Pathogenic (1 of 4 stars; one submission).

Conditions:
Neurofibromatosis, type 1 (NF1). Also called: VON RECKLINGHAUSEN DISEASE; Peripheral type neurofibromatosis; NEUROFIBROMATOSIS, TYPE I, SOMATIC; Neurofibromatosis, type I. Identifiers: Orphanet 636, MedGen C0027831, MONDO:0018975, OMIM 162200. Disease mechanism: loss of function.

Submission:

Labcorp Genetics (formerly Invitae), Labcorp
Classification: Pathogenic for Neurofibromatosis, type 1. Last evaluated: 2020-07-08. Review status: criteria provided, single submitter. Criteria: Invitae Variant Classification Sherloc (09022015). Collection method: clinical testing. Allele origin: germline.
Comment: For these reasons, this variant has been classified as Pathogenic. Donor and acceptor splice site variants typically lead to a loss of protein function (PMID: 16199547), and loss-of-function variants in NF1 are known to be pathogenic (PMID: 10712197, 23913538). Experimental studies have shown that disruption of this splice site alters mRNA splicing (PMID: 10862084). Disruption of this splice site has been observed in individuals affected with neurofibromatosis type 1 (PMID: 15060124, 10862084, 10712197). This variant is not present in population databases (ExAC no frequency). This sequence change affects an acceptor splice site in intron 33 of the NF1 gene. It is expected to disrupt RNA splicing and likely results in an absent or disrupted protein product.

Literature cited by the submitters: PubMed 16199547; PubMed 10712197; PubMed 23913538; PubMed 10862084; PubMed 15060124.

NM_001042492.3(NF1):c.4578-1G>T

Gene: NF1 (neurofibromin 1; plus strand). Cytogenetic location: 17q11.2.
Variant type: single nucleotide variant.
Coding change: c.4578-1G>T on transcript NM_001042492.3 (MANE Select); the canonical splice acceptor site of the intron before coding-DNA position 4578, G replaced by T.
Molecular consequence: splice acceptor variant.
Genome position (GRCh38, 1-based): chr17:31,261,710, G>T. VCF-style: chr17-31261710-G-T. GRCh37 (hg19) VCF-style: chr17-29588728-G-T.
Other names: c.4515-1G>T (NM_000267.4).
Identifiers: ClinVar variation 1069443 (VCV001069443.5), dbSNP rs1555618999, ClinGen allele CA399000080.